The following is an entry in ClinVar:

ClinVar aggregate classification (germline): Uncertain significance (1 of 4 stars; one submission).

gnomAD v4.1: 1 of 1,613,480 alleles (0.000062%); highest among the groups gnomAD compares: Non-Finnish European, 0.000085%; no homozygotes.

Submission:

GeneDx
Classification: Uncertain significance. Last evaluated: 2024-07-11. Review status: criteria provided, single submitter. Criteria: GeneDx Variant Classification Process June 2021. Collection method: clinical testing. Allele origin: germline. Affected: yes.
Comment: Not observed at significant frequency in large population cohorts (gnomAD); In silico analysis indicates that this missense variant does not alter protein structure/function; Has not been previously published as pathogenic or benign to our knowledge

NM_002576.5(PAK1):c.544G>A (p.Asp182Asn)

Gene: PAK1 (p21 (RAC1) activated kinase 1; minus strand). Cytogenetic location: 11q13.5.
Variant type: single nucleotide variant.
Coding change: c.544G>A on transcript NM_002576.5 (MANE Select); coding-DNA position 544, G replaced by A.
Protein change: p.Asp182Asn; replaces aspartic acid 182 with asparagine.
Molecular consequence: missense variant. On other transcripts: non-coding transcript variant (2).
Genome position (GRCh38, 1-based): chr11:77,358,951, C>T on the plus strand (G>A on the coding strand, the complement: PAK1 is on the minus strand). VCF-style: chr11-77358951-C-T. GRCh37 (hg19) VCF-style: chr11-77069996-C-T.
Other names: c.544G>A, p.Asp182Asn (NM_001128620.2, NM_001376268.1, NM_001376269.1 and 26 more transcripts); c.565G>A, p.Asp189Asn (NM_001376272.1); c.295G>A, p.Asp99Asn (NM_001376301.1); c.250G>A, p.Asp84Asn (NM_001376302.1, NM_001376304.1, NM_001376305.1); short protein forms D84N, D189N, D182N, D99N.
Identifiers: ClinVar variation 3572803 (VCV003572803.1).